The following is an entry in ClinVar:

NM_003136.4(SRP54):c.248T>A (p.Leu83His)

Gene: SRP54 (signal recognition particle 54; plus strand). Cytogenetic location: 14q13.2.
Variant type: single nucleotide variant.
Coding change: c.248T>A on transcript NM_003136.4 (MANE Select); coding-DNA position 248, T replaced by A.
Protein change: p.Leu83His; replaces leucine 83 with histidine.
Molecular consequence: missense variant.
Genome position (GRCh38, 1-based): chr14:35,001,013, T>A. VCF-style: chr14-35001013-T-A. GRCh37 (hg19) VCF-style: chr14-35470219-T-A.
Other names: c.248T>A (NM_003136.3); c.101T>A, p.Leu34His (NM_001146282.2); c.248T>A, p.Leu83His (NM_001411017.1); short protein forms L83H, L34H.
Identifiers: ClinVar variation 3689007 (VCV003689007.3).

ClinVar aggregate classification (germline): Uncertain significance. Review status: criteria provided, multiple submitters, no conflicts (2 of 4 stars). 2 submissions from 2 submitters: Uncertain significance (2). Last evaluated 2025-07-18.

Conditions:
Inborn genetic diseases. Identifiers: MedGen C0950123, MeSH D030342.

gnomAD v4.1: 1 of 1,571,466 alleles (0.000064%); highest among the groups gnomAD compares: Non-Finnish European, 0.000087%; no homozygotes.

Submissions (2):

Ambry Genetics
Classification: Uncertain significance for Inborn genetic diseases. Last evaluated: 2025-07-18. Review status: criteria provided, single submitter. Criteria: Ambry Variant Classification Scheme 2023. Collection method: clinical testing. Allele origin: germline.

Labcorp Genetics (formerly Invitae), Labcorp
Classification: Uncertain significance. Last evaluated: 2025-01-29. Review status: criteria provided, single submitter. Criteria: Invitae Variant Classification Sherloc (09022015). Collection method: clinical testing. Allele origin: germline.
Comment: This sequence change replaces leucine, which is neutral and non-polar, with histidine, which is basic and polar, at codon 83 of the SRP54 protein (p.Leu83His). This variant is present in population databases (no rsID available, gnomAD 0.0009%). This variant has not been reported in the literature in individuals affected with SRP54-related conditions. Invitae Evidence Modeling of protein sequence and biophysical properties (such as structural, functional, and spatial information, amino acid conservation, physicochemical variation, residue mobility, and thermodynamic stability) indicates that this missense variant is expected to disrupt SRP54 protein function with a positive predictive value of 80%. In summary, the available evidence is currently insufficient to determine the role of this variant in disease. Therefore, it has been classified as a Variant of Uncertain Significance.